The following is an entry in ClinVar:

NC_000011.10:g.(?_3856251)_(4091818_?)dup

Gene: STIM1 (stromal interaction molecule 1; plus strand). Cytogenetic location: 11p15.4.
Variant type: Duplication.
Identifiers: ClinVar variation 832904 (VCV000832904.2).

ClinVar aggregate classification (germline): Uncertain significance (1 of 4 stars; one submission).

Conditions:
Myopathy with tubular aggregates (TAM). Also called: Tubular Aggregate Myopathy. Identifiers: Orphanet 2593, MedGen C0410207, MONDO:0008051.
Stormorken syndrome (STRMK). Also called: THROMBOCYTOPATHY, ASPLENIA, AND MIOSIS. Identifiers: Orphanet 3204, MedGen C1861451, MONDO:0008497, OMIM 185070.
Combined immunodeficiency due to STIM1 deficiency. Also called: IMMUNODEFICIENCY 10; STIM1 DEFICIENCY. Identifiers: Orphanet 169090, Orphanet 317430, MedGen C2748557, MONDO:0013008, OMIM 612783.

Submission:

Labcorp Genetics (formerly Invitae), Labcorp
Classification: Uncertain significance for Myopathy with tubular aggregates; Immune dysfunction with T-cell inactivation due to calcium entry defect 2; Stormorken syndrome. Last evaluated: 2019-05-06. Review status: criteria provided, single submitter. Criteria: Invitae Variant Classification Sherloc (09022015). Collection method: clinical testing. Allele origin: germline.
Comment: This variant results in a copy number gain of the genomic region encompassing the full coding sequence of the STIM1 gene. The boundaries of this event are unknown as they extend beyond the assayed region for this gene and therefore may encompass additional genes. As the precise location of this event is unknown, it may be in tandem or it may be located elsewhere in the genome. This variant has not been reported in the literature in individuals with STIM1-related conditions. In summary, the available evidence is currently insufficient to determine the role of this variant in disease. Therefore, it has been classified as a Variant of Uncertain Significance.